The following is an entry in ClinVar:

ClinVar aggregate classification (germline): Likely benign. Review status: criteria provided, single submitter (1 of 4 stars). 2 submissions from 2 submitters: Likely benign (1). 1 of the submissions does not count toward it. Last evaluated 2024-12-22.

Conditions:
Inborn genetic diseases. Identifiers: MedGen C0950123, MeSH D030342.
DDX41-related disorder. Also called: DDX41-related condition.

Allele frequency attached by ClinVar (database versions not stated): TOPMed 0.00001.

Submissions (2):

Ambry Genetics
Classification: Likely benign for Inborn genetic diseases. Last evaluated: 2024-12-22. Review status: criteria provided, single submitter. Criteria: Ambry Variant Classification Scheme 2023. Collection method: clinical testing. Allele origin: germline.

PreventionGenetics, part of Exact Sciences
Classification: Likely benign for DDX41-related condition. Last evaluated: 2021-12-30. Review status: no assertion criteria provided. Collection method: clinical testing. Allele origin: germline. Not counted in ClinVar's aggregate classification.
Comment: This variant is classified as likely benign based on ACMG/AMP sequence variant interpretation guidelines (Richards et al. 2015 PMID: 25741868, with internal and published modifications).

NM_016222.4(DDX41):c.508C>T (p.Leu170=)

Gene: DDX41 (DEAD-box helicase 41; minus strand). Cytogenetic location: 5q35.3.
Variant type: single nucleotide variant.
Coding change: c.508C>T on transcript NM_016222.4 (MANE Select); coding-DNA position 508, C replaced by T.
Protein change: p.Leu170=; no amino-acid change (leucine 170 retained).
Molecular consequence: synonymous variant.
Genome position (GRCh38, 1-based): chr5:177,515,748, G>A on the plus strand (C>T on the coding strand, the complement: DDX41 is on the minus strand). VCF-style: chr5-177515748-G-A. GRCh37 (hg19) VCF-style: chr5-176942749-G-A.
Other names: c.130C>T, p.Leu44= (NM_001321732.2, NM_001321830.2); c.508C>T (NM_016222.2).
Identifiers: ClinVar variation 3036817 (VCV003036817.3), dbSNP rs776070170, ClinGen allele CA447748063.